The following is an entry in ClinVar:

ClinVar aggregate classification (germline): Likely pathogenic (1 of 4 stars; one submission).

Submission:

GeneDx
Classification: Likely pathogenic. Last evaluated: 2026-09-11. Review status: criteria provided, single submitter. Criteria: GeneDx Variant Classification Process June 2021. Collection method: clinical testing. Allele origin: germline.
Comment: Not observed at significant frequency in large population cohorts (gnomAD); In silico analysis supports that this missense variant has a deleterious effect on protein structure/function; Has not been previously published as pathogenic or benign to our knowledge

NM_001205293.3(CACNA1E):c.662T>C (p.Leu221Pro)

Gene: CACNA1E (calcium voltage-gated channel subunit alpha1 E; plus strand). Cytogenetic location: 1q25.3.
Variant type: single nucleotide variant.
Coding change: c.662T>C on transcript NM_001205293.3 (MANE Select); coding-DNA position 662, T replaced by C.
Protein change: p.Leu221Pro; replaces leucine 221 with proline.
Molecular consequence: missense variant.
Genome position (GRCh38, 1-based): chr1:181,579,117, T>C. VCF-style: chr1-181579117-T-C. GRCh37 (hg19) VCF-style: chr1-181548253-T-C.
Other names: c.662T>C, p.Leu221Pro (NM_000721.4, NM_001205294.2); short protein forms L221P.
Identifiers: ClinVar variation 3360745 (VCV003360745.2).